The following is an entry in ClinVar:

ClinVar aggregate classification (germline): Conflicting classifications of pathogenicity. Review status: criteria provided, conflicting classifications (1 of 4 stars). 6 submissions from 6 submitters: Uncertain significance (4); Benign (1); Likely benign (1). Last evaluated 2025-07-09.

Conditions:
Hereditary cancer-predisposing syndrome. Also called: Tumor predisposition; Hereditary Cancer Syndrome; Hereditary neoplastic syndrome; Neoplastic Syndromes, Hereditary. Identifiers: Orphanet 140162, MedGen C0027672, MeSH D009386, MONDO:0015356.
Familial meningioma. Also called: Meningioma, familial, susceptibility to. Identifiers: Orphanet 263662, MedGen C3551915, MONDO:0011789, OMIM 607174.
Neurofibromatosis, type 2 (SWNV). Also called: SCHWANNOMATOSIS, VESTIBULAR; NF2-Related Schwannomatosis; BILATERAL ACOUSTIC NEUROFIBROMATOSIS. Identifiers: Orphanet 637, MedGen C0027832, MONDO:0007039, OMIM 101000. Disease mechanism: loss of function.

Allele frequency attached by ClinVar (database versions not stated): gnomAD 0.00001; gnomAD exomes 0.00002; TOPMed 0.00002; ExAC 0.00009.

Submissions (7):

Color Diagnostics, LLC DBA Color Health
Classification: Benign for Neurofibromatosis, type 2. Last evaluated: 2025-07-09. Review status: criteria provided, single submitter. Criteria: ACMG Guidelines, 2015. Collection method: clinical testing. Allele origin: germline.

Labcorp Genetics (formerly Invitae), Labcorp
Classification: Uncertain significance for Neurofibromatosis, type 2. Last evaluated: 2024-01-04. Review status: criteria provided, single submitter. Criteria: Invitae Variant Classification Sherloc (09022015). Collection method: clinical testing. Allele origin: germline.
Comment: This sequence change affects codon 482 of the NF2 mRNA. It is a 'silent' change, meaning that it does not change the encoded amino acid sequence of the NF2 protein. This variant also falls at the last nucleotide of exon 13, which is part of the consensus splice site for this exon. The frequency data for this variant in the population databases is considered unreliable, as metrics indicate poor data quality at this position in the gnomAD database. This variant has not been reported in the literature in individuals affected with NF2-related conditions. ClinVar contains an entry for this variant (Variation ID: 412215). Variants that disrupt the consensus splice site are a relatively common cause of aberrant splicing (PMID: 17576681, 9536098). RNA analysis performed to evaluate the impact of this variant on mRNA splicing indicates it does not significantly alter splicing (Invitae). In summary, the available evidence is currently insufficient to determine the role of this variant in disease. Therefore, it has been classified as a Variant of Uncertain Significance.

All of Us Research Program, National Institutes of Health
Classification: Uncertain significance for Neurofibromatosis, type 2. Last evaluated: 2023-11-02. Review status: criteria provided, single submitter. Criteria: ACMG Guidelines, 2015. Collection method: clinical testing. Allele origin: germline. Inheritance: Autosomal dominant inheritance. Observed: 5 variant alleles, 5 heterozygotes.
Comment: This variant causes a G>A nucleotide substitution at the last conserved G nucleotide of exon 13 in the NF2 gene. This single nucleotide substitution does not change the coding sequence, however, splice site prediction tools suggest that this variant may have a significant impact on RNA splicing. To our knowledge, RNA and functional studies have not been reported for this variant. This variant has been reported in an individual affected with sporadic meningioma (PMID: 15609345). This variant has not been identified in the general population by the Genome Aggregation Database (gnomAD). The available evidence is insufficient to determine the role of this variant in disease conclusively. Therefore, this variant is classified as a Variant of Uncertain Significance.

This study involves interpretation of variants in research participants for the purpose of population health screening. Participant phenotype was not available at the time of variant classification. Additional details can be found in publication PMID: 35346344, PMCID: PMC8962531

Baylor Genetics
Classification: Uncertain significance for Familial meningioma. Last evaluated: 2023-04-21. Review status: criteria provided, single submitter. Criteria: ACMG Guidelines, 2015. Collection method: clinical testing. Allele origin: unknown.

Ambry Genetics
Classification: Likely benign for Hereditary cancer-predisposing syndrome. Last evaluated: 2020-02-06. Review status: criteria provided, single submitter. Criteria: Ambry Variant Classification Scheme 2023. Collection method: clinical testing. Allele origin: germline.

Breakthrough Genomics
Classification: Uncertain significance. Review status: criteria provided, single submitter. Criteria: ACMG Guidelines, 2015. Collection method: not provided. Allele origin: germline. Inheritance: Autosomal dominant inheritance. Affected: yes.

Dr. Peter K. Rogan Lab, Western University
No classification provided (evidence only). Condition: Familial cancer of breast. Review status: no classification provided. Collection method: in vitro. Allele origin: not applicable. Functional consequence: retained intron. Not counted in ClinVar's aggregate classification.

Literature cited by the submitters: PubMed 17576681 (cited by Labcorp Genetics (formerly Invitae), Labcorp); PubMed 9536098 (cited by Labcorp Genetics (formerly Invitae), Labcorp); PubMed 15609345 (cited by All of Us Research Program, National Institutes of Health).

NM_000268.4(NF2):c.1446G>A (p.Pro482=)

Gene: NF2 (NF2, moesin-ezrin-radixin like (MERLIN) tumor suppressor; plus strand). Cytogenetic location: 22q12.2.
Variant type: single nucleotide variant.
Coding change: c.1446G>A on transcript NM_000268.4 (MANE Select); coding-DNA position 1446, G replaced by A.
Protein change: p.Pro482=; no amino-acid change (proline 482 retained).
Molecular consequence: synonymous variant. On other transcripts: non-coding transcript variant (1), intron variant (1).
Genome position (GRCh38, 1-based): chr22:29,674,941, G>A. VCF-style: chr22-29674941-G-A. GRCh37 (hg19) VCF-style: chr22-30070930-G-A.
Other names: c.1446G>A, p.Pro482= (NM_016418.5, NM_181825.3, NM_181832.3); c.1320G>A, p.Pro440= (NM_181828.3); c.1323G>A, p.Pro441= (NM_181829.3); c.1197G>A, p.Pro399= (NM_181830.3, NM_181831.3); c.448-19811G>A (NM_181833.3).
Identifiers: ClinVar variation 412215 (VCV000412215.15), dbSNP rs753751373, ClinGen allele CA031490.
Genomic context (GRCh38, chr22:29,674,941, plus strand): 5'-CGAGGCGGAGCGAAGAGCCAAGCAGAAGCTCCTGGAGATTGCCACCAAGCCCACGTACCC[G>A]GTGAGCCTGGGGGCCACCAGCTGGGGCTGCCTTAGTCCTGGTGATGTTCTCTTTCCTCCC-3'
Protein context (NP_000259.1, residues 472-492): LLEIATKPTY[Pro482=]PMNPIPAPLP